The following is an entry in ClinVar:

ClinVar aggregate classification (germline): Conflicting classifications of pathogenicity. Review status: criteria provided, conflicting classifications (1 of 4 stars). 2 submissions from 2 submitters: Likely pathogenic (1); Uncertain significance (1). Last evaluated 2026-04-17.

Conditions:
Niemann-Pick disease, type B. Also called: Chronic Visceral ASMD (Niemann-Pick Disease Type B; NPD-B). Identifiers: Orphanet 77293, MedGen C0268243, MONDO:0011871, OMIM 607616. Disease mechanism: loss of function.
Niemann-Pick disease, type A. Also called: Infantile Neurovisceral ASMD (Niemann-Pick Disease Type A; NPD-A); SPHINGOMYELIN LIPIDOSIS; SPHINGOMYELINASE DEFICIENCY. Identifiers: Orphanet 77292, MedGen C0268242, MONDO:0009756, OMIM 257200. Disease mechanism: loss of function.

Allele frequency attached by ClinVar (database versions not stated): TOPMed 0.00002.
gnomAD v4.1: 3 of 1,614,102 alleles (0.00019%); highest among the groups gnomAD compares: Admixed American, 0.005%; no homozygotes.

Submissions (2):

Women's Health and Genetics/Laboratory Corporation of America, LabCorp
Classification: Uncertain significance. Last evaluated: 2026-04-17. Review status: criteria provided, single submitter. Criteria: LabCorp Variant Classification Summary - May 2015. Collection method: clinical testing. Allele origin: germline.
Comment: Variant summary: SMPD1 c.1547A>T (p.His516Leu) results in a non-conservative amino acid change in the encoded protein sequence. Algorithms developed to predict the effect of missense changes on protein structure and function are either unavailable or do not agree on the potential impact of this missense change. The variant allele was found at a frequency of 8e-06 in 251350 control chromosomes. The available data on variant occurrences in the general population are insufficient to allow any conclusion about variant significance. To our knowledge, no occurrence of c.1547A>T in individuals affected with SMPD1-related conditions and no experimental evidence demonstrating its impact on protein function have been reported. While other variants have been reported at this codon (c.1547A>G, p.His516Arg; c.1548T>G, p.His516Gln) in the literature, at this time there is insufficient evidence available to impact the classification of p.His516Leu. ClinVar contains an entry for this variant (Variation ID: 2056200). Based on the evidence outlined above, the variant was classified as uncertain significance.

Labcorp Genetics (formerly Invitae), Labcorp
Classification: Likely pathogenic for Niemann-Pick disease, type B; Niemann-Pick disease, type A. Last evaluated: 2023-06-21. Review status: criteria provided, single submitter. Criteria: Invitae Variant Classification Sherloc (09022015). Collection method: clinical testing. Allele origin: germline.
Comment: This sequence change replaces histidine, which is basic and polar, with leucine, which is neutral and non-polar, at codon 516 of the SMPD1 protein (p.His516Leu). This variant is present in population databases (no rsID available, gnomAD 0.006%). This variant has not been reported in the literature in individuals affected with SMPD1-related conditions. ClinVar contains an entry for this variant (Variation ID: 2056200). Advanced modeling of protein sequence and biophysical properties (such as structural, functional, and spatial information, amino acid conservation, physicochemical variation, residue mobility, and thermodynamic stability) performed at Invitae indicates that this missense variant is expected to disrupt SMPD1 protein function. This variant disrupts the p.His516 amino acid residue in SMPD1. Other variant(s) that disrupt this residue have been determined to be pathogenic (PMID: 31122880, 33675270; Invitae). This suggests that this residue is clinically significant, and that variants that disrupt this residue are likely to be disease-causing. In summary, the currently available evidence indicates that the variant is pathogenic, but additional data are needed to prove that conclusively. Therefore, this variant has been classified as Likely Pathogenic.

Literature cited by the submitters: PubMed 31122880 (cited by Labcorp Genetics (formerly Invitae), Labcorp); PubMed 33675270 (cited by Labcorp Genetics (formerly Invitae), Labcorp).

NM_000543.5(SMPD1):c.1547A>T (p.His516Leu)

Gene: SMPD1 (sphingomyelin phosphodiesterase 1; plus strand). Cytogenetic location: 11p15.4.
Variant type: single nucleotide variant.
Coding change: c.1547A>T on transcript NM_000543.5 (MANE Select); coding-DNA position 1547, A replaced by T.
Protein change: p.His516Leu; replaces histidine 516 with leucine.
Molecular consequence: missense variant. On other transcripts: 3 prime UTR variant (1), non-coding transcript variant (2).
Genome position (GRCh38, 1-based): chr11:6,394,258, A>T. VCF-style: chr11-6394258-A-T. GRCh37 (hg19) VCF-style: chr11-6415488-A-T.
Other names: c.1544A>T, p.His515Leu (NM_001007593.3); c.*40A>T (NM_001318087.2); c.626A>T, p.His209Leu (NM_001318088.2); c.1415A>T, p.His472Leu (NM_001365135.2); short protein forms H472L, H209L, H516L, H515L.
Identifiers: ClinVar variation 2056200 (VCV002056200.5), dbSNP rs754979734, ClinGen allele CA379376146.